The following is an entry in ClinVar:

NM_001001331.4(ATP2B2):c.3016C>T (p.Gln1006Ter)

Gene: ATP2B2 (ATPase plasma membrane Ca2+ transporting 2; minus strand). Cytogenetic location: 3p25.3.
Variant type: single nucleotide variant.
Coding change: c.3016C>T on transcript NM_001001331.4 (MANE Select); coding-DNA position 3016, C replaced by T.
Protein change: p.Gln1006Ter; replaces glutamine 1006 with a stop codon.
Molecular consequence: nonsense.
Genome position (GRCh38, 1-based): chr3:10,340,606, G>A on the plus strand (C>T on the coding strand, the complement: ATP2B2 is on the minus strand). VCF-style: chr3-10340606-G-A. GRCh37 (hg19) VCF-style: chr3-10382290-G-A.
Other names: c.2881C>T, p.Gln961Ter (NM_001330611.3, NM_001353564.1, NM_001363862.1 and 2 more transcripts); c.2923C>T, p.Gln975Ter (NM_001438646.1); short protein forms Q1006*, Q961*, Q975*.
Identifiers: ClinVar variation 4687914 (VCV004687914.1).

ClinVar aggregate classification (germline): Likely pathogenic (1 of 4 stars; one submission).

Conditions:
Hearing loss, autosomal dominant 82. Also called: Deafness, autosomal dominant 82. Identifiers: MedGen C5676948, MONDO:0030719, OMIM 619804.

Submission:

Human Genetics Bochum, Ruhr University Bochum
Classification: Likely pathogenic for Hearing loss, autosomal dominant 82. Last evaluated: 2025-04-22. Review status: criteria provided, single submitter. Criteria: ACMG Guidelines, 2015. Collection method: clinical testing. Allele origin: germline. Affected: yes.
Comment: ACMG criteria used to clasify this variant: PVS1_STR, PM2_SUP, PP3